The following is an entry in ClinVar:

NM_005993.5(TBCD):c.1148+3A>G

Gene: TBCD (tubulin folding cofactor D). Cytogenetic location: 17q25.3.
Variant type: single nucleotide variant.
Coding change: c.1148+3A>G on transcript NM_005993.5 (MANE Select); 3 bases into the intron after coding-DNA position 1148, A replaced by G.
Molecular consequence: intron variant.
Genome position (GRCh38, 1-based): chr17:82,807,671, A>G. VCF-style: chr17-82807671-A-G. GRCh37 (hg19) VCF-style: chr17-80765547-A-G.
Identifiers: ClinVar variation 1919007 (VCV001919007.4), dbSNP rs912243072, ClinGen allele CA295243191.

ClinVar aggregate classification (germline): Uncertain significance (1 of 4 stars; one submission).

Allele frequency attached by ClinVar (database versions not stated): TOPMed 0.00002; gnomAD 0.00003.
gnomAD v4.1: 9 of 1,508,594 alleles (0.0006%); highest among the groups gnomAD compares: Admixed American, 0.013%; no homozygotes.

Submission:

Labcorp Genetics (formerly Invitae), Labcorp
Classification: Uncertain significance. Last evaluated: 2022-07-21. Review status: criteria provided, single submitter. Criteria: Invitae Variant Classification Sherloc (09022015). Collection method: clinical testing. Allele origin: germline.
Comment: In summary, the available evidence is currently insufficient to determine the role of this variant in disease. Therefore, it has been classified as a Variant of Uncertain Significance. Variants that disrupt the consensus splice site are a relatively common cause of aberrant splicing (PMID: 17576681, 9536098). Algorithms developed to predict the effect of sequence changes on RNA splicing suggest that this variant may disrupt the consensus splice site. This variant has not been reported in the literature in individuals affected with TBCD-related conditions. The frequency data for this variant in the population databases is considered unreliable, as metrics indicate poor data quality at this position in the gnomAD database. This sequence change falls in intron 11 of the TBCD gene. It does not directly change the encoded amino acid sequence of the TBCD protein. It affects a nucleotide within the consensus splice site.

Literature cited by the submitters: PubMed 17576681; PubMed 9536098.